The following is an entry in ClinVar:

ClinVar aggregate classification (germline): Uncertain significance (1 of 4 stars; one submission).

Conditions:
Emery-Dreifuss muscular dystrophy 5, autosomal dominant (EDMD5). Also called: EMERY-DREIFUSS MUSCULAR DYSTROPHY 5. Identifiers: Orphanet 261, MedGen C2751805, MONDO:0013072, OMIM 612999.

Allele frequency attached by ClinVar (database versions not stated): gnomAD exomes below 0.00001; TOPMed below 0.00001; gnomAD 0.00001.
gnomAD v4.1: 3 of 1,613,950 alleles (0.00019%); highest among the groups gnomAD compares: East Asian, 0.0022%; no homozygotes.

Submission:

Labcorp Genetics (formerly Invitae), Labcorp
Classification: Uncertain significance for Emery-Dreifuss muscular dystrophy 5, autosomal dominant. Last evaluated: 2022-05-28. Review status: criteria provided, single submitter. Criteria: Invitae Variant Classification Sherloc (09022015). Collection method: clinical testing. Allele origin: germline.
Comment: This variant has not been reported in the literature in individuals affected with SYNE2-related conditions. This sequence change replaces alanine, which is neutral and non-polar, with threonine, which is neutral and polar, at codon 6595 of the SYNE2 protein (p.Ala6595Thr). This variant is not present in population databases (gnomAD no frequency). Algorithms developed to predict the effect of missense changes on protein structure and function output the following: SIFT: "Tolerated"; PolyPhen-2: "Benign"; Align-GVGD: "Class C0". The threonine amino acid residue is found in multiple mammalian species, which suggests that this missense change does not adversely affect protein function. In summary, the available evidence is currently insufficient to determine the role of this variant in disease. Therefore, it has been classified as a Variant of Uncertain Significance.

NM_182914.3(SYNE2):c.19783G>A (p.Ala6595Thr)

Gene: SYNE2 (spectrin repeat containing nuclear envelope protein 2; plus strand). Cytogenetic location: 14q23.2.
Variant type: single nucleotide variant.
Coding change: c.19783G>A on transcript NM_182914.3 (MANE Select); coding-DNA position 19783, G replaced by A.
Protein change: p.Ala6595Thr; replaces alanine 6595 with threonine.
Molecular consequence: missense variant.
Genome position (GRCh38, 1-based): chr14:64,219,333, G>A. VCF-style: chr14-64219333-G-A. GRCh37 (hg19) VCF-style: chr14-64686051-G-A.
Other names: c.19714G>A, p.Ala6572Thr (NM_015180.6); c.307G>A, p.Ala103Thr (NM_182910.2); c.685G>A, p.Ala229Thr (NM_182913.4); short protein forms A103T, A6595T, A229T, A6572T.
Identifiers: ClinVar variation 1927923 (VCV001927923.5), dbSNP rs1324163610, ClinGen allele CA389964772.
Genomic context (GRCh38, chr14:64,219,333, plus strand): 5'-AATTTGCAACAGCTGAACTCTGATATCAGCGCCATCACTACTTGGCTGAAAAAAACTGAA[G>A]CAGAGCTGGAAATGTTAAAGATGGCAAAGCCTCCCTCTGATATCCAGGAAATAGAACTGA-3'
Protein context (NP_878918.2, residues 6585-6605): AITTWLKKTE[Ala6595Thr]ELEMLKMAKP